The following is an entry in ClinVar:

ClinVar aggregate classification (germline): Likely benign. Review status: criteria provided, multiple submitters, no conflicts (2 of 4 stars). 7 submissions from 7 submitters: Likely benign (7). Last evaluated 2026-02-02.

Conditions:
Familial thoracic aortic aneurysm and aortic dissection (TAAD). Also called: Thoracic aortic aneurysms and dissections. Identifiers: Orphanet 91387, MedGen C4707243, MONDO:0019625.
Aortic aneurysm, familial thoracic 4 (AAT4). Also called: AORTIC ANEURYSM/AORTIC DISSECTION AND PATENT DUCTUS ARTERIOSUS. Identifiers: MedGen C1851504, MONDO:0007568, OMIM 132900.

Allele frequency attached by ClinVar (database versions not stated): gnomAD exomes 0.00001 and 0.00002; ExAC 0.00002; gnomAD 0.00005 and 0.00006; TOPMed 0.00005; ESP Exome Variant Server 0.00008.
gnomAD v4.1: 34 of 1,614,028 alleles (0.0021%); highest among the groups gnomAD compares: Admixed American, 0.0033%; no homozygotes.

Submissions (7):

Labcorp Genetics (formerly Invitae), Labcorp
Classification: Likely benign for Aortic aneurysm, familial thoracic 4. Last evaluated: 2026-02-02. Review status: criteria provided, single submitter. Criteria: Invitae Variant Classification Sherloc (09022015). Collection method: clinical testing. Allele origin: germline.

Blueprint Genetics
Classification: Likely benign. Last evaluated: 2024-08-12. Review status: criteria provided, single submitter. Criteria: ACMG Guidelines, 2015. Collection method: clinical testing. Allele origin: germline.

All of Us Research Program, National Institutes of Health
Classification: Likely benign for Familial thoracic aortic aneurysm and aortic dissection. Last evaluated: 2024-02-05. Review status: criteria provided, single submitter. Criteria: ACMG Guidelines, 2015. Collection method: clinical testing. Allele origin: germline. Inheritance: Autosomal dominant inheritance. Observed: 9 variant alleles, 9 heterozygotes.
Comment: This study involves interpretation of variants in research participants for the purpose of population health screening. Participant phenotype was not available at the time of variant classification. Additional details can be found in publication PMID: 35346344, PMCID: PMC8962531

Color Diagnostics, LLC DBA Color Health
Classification: Likely benign for Familial thoracic aortic aneurysm and aortic dissection. Last evaluated: 2021-03-23. Review status: criteria provided, single submitter. Criteria: ACMG Guidelines, 2015. Collection method: clinical testing. Allele origin: germline.

GeneDx
Classification: Likely benign. Last evaluated: 2021-03-08. Review status: criteria provided, single submitter. Criteria: GeneDx Variant Classification Process June 2021. Collection method: clinical testing. Allele origin: germline. Affected: yes.

Ambry Genetics
Classification: Likely benign for Familial thoracic aortic aneurysm and aortic dissection. Last evaluated: 2020-10-23. Review status: criteria provided, single submitter. Criteria: Ambry Variant Classification Scheme 2023. Collection method: clinical testing. Allele origin: germline.

CeGaT Center for Human Genetics Tuebingen
Classification: Likely benign. Last evaluated: 2018-08-01. Review status: criteria provided, single submitter. Criteria: CeGaT Center For Human Genetics Tuebingen Variant Classification Criteria Version 2. Collection method: clinical testing. Allele origin: germline. Affected: yes. Observed: 1 variant allele.

NM_002474.3(MYH11):c.3930G>A (p.Val1310=)

Genes: MYH11 (myosin heavy chain 11; minus strand), NDE1 (nudE neurodevelopment protein 1; plus strand). Cytogenetic location: 16p13.11.
Variant type: single nucleotide variant.
Coding change: c.3930G>A on transcript NM_002474.3 (MANE Select); coding-DNA position 3930, G replaced by A.
Protein change: p.Val1310=; no amino-acid change (valine 1310 retained).
Molecular consequence: synonymous variant. On other transcripts: 3 prime UTR variant (2).
Genome position (GRCh38, 1-based): chr16:15,724,921, C>T on the plus strand (G>A on the coding strand, the complement: MYH11 is on the minus strand). VCF-style: chr16-15724921-C-T. GRCh37 (hg19) VCF-style: chr16-15818778-C-T.
Other names: c.3951G>A, p.Val1317= (NM_001040113.2, NM_001040114.2); c.3930G>A, p.Val1310= (NM_022844.3); c.*670C>T (NM_001143979.2, NM_017668.3).
Identifiers: ClinVar variation 413418 (VCV000413418.58), dbSNP rs369184213, ClinGen allele CA7921835.